The following is an entry in ClinVar:

NM_006516.4(SLC2A1):c.31C>T (p.Arg11Cys)

Gene: SLC2A1 (solute carrier family 2 member 1; minus strand). Cytogenetic location: 1p34.2.
Variant type: single nucleotide variant.
Coding change: c.31C>T on transcript NM_006516.4 (MANE Select); coding-DNA position 31, C replaced by T.
Protein change: p.Arg11Cys; replaces arginine 11 with cysteine.
Molecular consequence: missense variant.
Genome position (GRCh38, 1-based): chr1:42,943,309, G>A on the plus strand (C>T on the coding strand, the complement: SLC2A1 is on the minus strand). VCF-style: chr1-42943309-G-A. GRCh37 (hg19) VCF-style: chr1-43408980-G-A.
Other names: c.31C>T (NM_006516.3); short protein forms R11C.
Identifiers: ClinVar variation 583250 (VCV000583250.13), dbSNP rs1333609390, ClinGen allele CA10590134.
Genomic context (GRCh38, chr1:42,943,309, plus strand): 5'-CAGTGTTGTAGCCAAACTGCAGGGAGCCAAGCACTGCTCCTCCCACGGCCAGCATGAGGC[G>A]ACCCGTCAGCTTCTGCGGAGAAACAAACCACACTGTTATAGGCGTGTCTGGGAGCAGGTT-3'
Protein context (NP_006507.2, residues 1-21): MEPSSKKLTG[Arg11Cys]LMLAVGGAVL

ClinVar aggregate classification (germline): Uncertain significance. Review status: criteria provided, multiple submitters, no conflicts (2 of 4 stars). 7 submissions from 3 submitters: Uncertain significance (7). Last evaluated 2024-02-20.

Conditions:
Hereditary cryohydrocytosis with reduced stomatin. Also called: Stomatin-deficient cryohydrocytosis with neurologic defects; GLUT1 DEFICIENCY SYNDROME WITH PSEUDOHYPERKALEMIA AND HEMOLYSIS. Identifiers: Orphanet 168577, MedGen C1837206, MONDO:0012143, OMIM 608885.
GLUT1 deficiency syndrome 1, autosomal recessive. Identifiers: MedGen C3149117.
Childhood onset GLUT1 deficiency syndrome 2. Also called: Paroxysmal exercise-induced dystonia; GLUT1 deficiency syndrome 2; PxMD-SLC2A1; PAROXYSMAL EXERCISE-INDUCED DYSKINESIA WITH OR WITHOUT EPILEPSY AND/OR HEMOLYTIC ANEMIA; PAROXYSMAL EXERTION-INDUCED DYSTONIA WITH OR WITHOUT EPILEPSY AND/OR HEMOLYTIC ANEMIA; PED WITH OR WITHOUT EPILEPSY AND/OR HEMOLYTIC ANEMIA. Identifiers: Orphanet 98811, MedGen C1842534, MONDO:0012805, OMIM 612126.
Dystonia 9 (DYT9). Also called: CHOREOATHETOSIS, KINESIGENIC, WITH EPISODIC ATAXIA AND SPASTICITY. Identifiers: Orphanet 53583, MedGen C1832855, MONDO:0010983, OMIM 601042.
Epilepsy, idiopathic generalized, susceptibility to, 12 (EIG12). Identifiers: MedGen C3553859, MONDO:0013919, OMIM 614847.
Encephalopathy due to GLUT1 deficiency. Also called: GLUT1 deficiency syndrome 1, infantile onset, severe; GLUT1 deficiency syndrome 1; De Vivo disease; Classic Glucose Transporter Type 1 Deficiency Syndrome; GLUCOSE TRANSPORT DEFECT, BLOOD-BRAIN BARRIER; Glucose transporter protein syndrome. Identifiers: Orphanet 71277, MedGen C4551966, MONDO:0011724, OMIM 606777.

Allele frequency attached by ClinVar (database versions not stated): gnomAD 0.00001; gnomAD exomes 0.00001 and 0.00002; TOPMed 0.00002.
gnomAD v4.1: 26 of 1,613,404 alleles (0.0016%); highest among the groups gnomAD compares: African/African-American, 0.0027%; no homozygotes.

Submissions (7):

Labcorp Genetics (formerly Invitae), Labcorp
Classification: Uncertain significance for GLUT1 deficiency syndrome 1, autosomal recessive. Last evaluated: 2024-02-20. Review status: criteria provided, single submitter. Criteria: Invitae Variant Classification Sherloc (09022015). Collection method: clinical testing. Allele origin: germline.
Comment: This sequence change replaces arginine, which is basic and polar, with cysteine, which is neutral and slightly polar, at codon 11 of the SLC2A1 protein (p.Arg11Cys). This variant is present in population databases (no rsID available, gnomAD 0.004%). This missense change has been observed in individual(s) with myopathy (PMID: 31069529). ClinVar contains an entry for this variant (Variation ID: 583250). Advanced modeling performed at Invitae incorporating data from internal and/or published experimental studies (Invitae) indicates that this missense variant is not expected to disrupt SLC2A1 function with a negative predictive value of 95%. In summary, the available evidence is currently insufficient to determine the role of this variant in disease. Therefore, it has been classified as a Variant of Uncertain Significance.

Genome-Nilou Lab
Classification: Uncertain significance for Epilepsy, idiopathic generalized, susceptibility to, 12. Last evaluated: 2023-04-11. Review status: criteria provided, single submitter. Criteria: ACMG Guidelines, 2015. Collection method: clinical testing. Allele origin: germline. Affected: no.

Genome-Nilou Lab
Classification: Uncertain significance for Dystonia 9. Last evaluated: 2023-04-11. Review status: criteria provided, single submitter. Criteria: ACMG Guidelines, 2015. Collection method: clinical testing. Allele origin: germline. Affected: no.

Genome-Nilou Lab
Classification: Uncertain significance for Encephalopathy due to GLUT1 deficiency. Last evaluated: 2023-04-11. Review status: criteria provided, single submitter. Criteria: ACMG Guidelines, 2015. Collection method: clinical testing. Allele origin: germline. Affected: no.

Genome-Nilou Lab
Classification: Uncertain significance for Childhood onset GLUT1 deficiency syndrome 2. Last evaluated: 2023-04-11. Review status: criteria provided, single submitter. Criteria: ACMG Guidelines, 2015. Collection method: clinical testing. Allele origin: germline. Affected: no.

Genome-Nilou Lab
Classification: Uncertain significance for Hereditary cryohydrocytosis with reduced stomatin. Last evaluated: 2023-04-11. Review status: criteria provided, single submitter. Criteria: ACMG Guidelines, 2015. Collection method: clinical testing. Allele origin: germline. Affected: no.

Revvity Omics, Revvity
Classification: Uncertain significance. Last evaluated: 2023-01-02. Review status: criteria provided, single submitter. Criteria: ACMG Guidelines, 2015. Collection method: clinical testing. Allele origin: germline.

Literature cited by the submitters: PubMed 31069529 (cited by Labcorp Genetics (formerly Invitae), Labcorp).